The following is an entry in ClinVar:

ClinVar aggregate classification (germline): Conflicting classifications of pathogenicity. Review status: criteria provided, conflicting classifications (1 of 4 stars). 3 submissions from 3 submitters: Uncertain significance (1); Likely benign (2). Last evaluated 2026-01-17.

Conditions:
Immunodeficiency, common variable, 10. Also called: IMMUNODEFICIENCY, COMMON VARIABLE, WITH CENTRAL ADRENAL INSUFFICIENCY; DEFICIT IN ANTERIOR PITUITARY FUNCTION AND VARIABLE IMMUNODEFICIENCY. Identifiers: MedGen C3809991, MONDO:0014260, OMIM 615577.

Allele frequency attached by ClinVar (database versions not stated): ExAC 0.00001; gnomAD exomes 0.00001 and 0.00003; gnomAD 0.00004 and 0.00005; TOPMed 0.00005; 1000 Genomes Project 30x 0.00016; 1000 Genomes Project 0.00020.
gnomAD v4.1: 29 of 1,602,964 alleles (0.0018%); highest among the groups gnomAD compares: Admixed American, 0.044%; no homozygotes.

Submissions (3):

Labcorp Genetics (formerly Invitae), Labcorp
Classification: Likely benign for Immunodeficiency, common variable, 10. Last evaluated: 2026-01-17. Review status: criteria provided, single submitter. Criteria: Invitae Variant Classification Sherloc (09022015). Collection method: clinical testing. Allele origin: germline.

Blueprint Genetics
Classification: Likely benign. Last evaluated: 2024-11-27. Review status: criteria provided, single submitter. Criteria: ACMG Guidelines, 2015. Collection method: clinical testing. Allele origin: germline.

Center for Genomics, Ann and Robert H. Lurie Children's Hospital of Chicago
Classification: Uncertain significance for Immunodeficiency, common variable, 10. Last evaluated: 2022-06-27. Review status: criteria provided, single submitter. Criteria: ACMG Guidelines, 2015. Collection method: clinical testing. Allele origin: germline.
Comment: This variant has not been reported in the literature but is present in the Genome Aggregation Database (Highest reported MAF: 0.05% [8/15274]) and in ClinVar (Variation ID: 764530). Evolutionary conservation and computational predictive tools for this variant are limited or unavailable. Of note, this variant is a silent variant and does not change the amino acid, and is not predicted to impact splicing, reducing the probability that this variant is disease causing. In summary, data on this variant is insufficient for disease classification. Therefore, the clinical significance of this variant is uncertain.

NM_001322934.2(NFKB2):c.1938G>A (p.Glu646=)

Gene: NFKB2 (nuclear factor kappa B subunit 2; plus strand). Cytogenetic location: 10q24.32.
Variant type: single nucleotide variant.
Coding change: c.1938G>A on transcript NM_001322934.2 (MANE Select); coding-DNA position 1938, G replaced by A.
Protein change: p.Glu646=; no amino-acid change (glutamic acid 646 retained).
Molecular consequence: synonymous variant.
Genome position (GRCh38, 1-based): chr10:102,400,794, G>A. VCF-style: chr10-102400794-G-A. GRCh37 (hg19) VCF-style: chr10-104160551-G-A.
Other names: c.1938G>A, p.Glu646= (NM_001077494.3, NM_001261403.3, NM_001288724.1 and 1 more transcripts); c.1812G>A, p.Glu604= (NM_001322935.1).
Identifiers: ClinVar variation 764530 (VCV000764530.12), dbSNP rs563687760, ClinGen allele CA5664919.